The following is an entry in ClinVar:

NM_001267550.2(TTN):c.56581G>A (p.Ala18861Thr)

Genes: TTN (titin; minus strand), TTN-AS1 (TTN antisense RNA 1; plus strand). Cytogenetic location: 2q31.2.
Variant type: single nucleotide variant.
Coding change: c.56581G>A on transcript NM_001267550.2 (MANE Select); coding-DNA position 56581, G replaced by A.
Protein change: p.Ala18861Thr; replaces alanine 18861 with threonine.
Molecular consequence: missense variant.
Genome position (GRCh38, 1-based): chr2:178,599,212, C>T on the plus strand (G>A on the coding strand, the complement: TTN is on the minus strand). VCF-style: chr2-178599212-C-T. GRCh37 (hg19) VCF-style: chr2-179463939-C-T.
Other names: c.51658G>A, p.Ala17220Thr (NM_001256850.1); c.29386G>A, p.Ala9796Thr (NM_003319.4); c.48877G>A, p.Ala16293Thr (NM_133378.4); c.29761G>A, p.Ala9921Thr (NM_133432.3); c.29962G>A, p.Ala9988Thr (NM_133437.4); short protein forms A18861T, A17220T, A9796T, A9988T, A16293T, A9921T.
Identifiers: ClinVar variation 238801 (VCV000238801.6), dbSNP rs368419410, ClinGen allele CA1993226.

ClinVar aggregate classification (germline): Uncertain significance. Review status: criteria provided, multiple submitters, no conflicts (2 of 4 stars). 3 submissions from 3 submitters: Uncertain significance (3). Last evaluated 2021-08-11.

Conditions:
Dilated cardiomyopathy 1G (CMD1G). Identifiers: Orphanet 154, MedGen C1858763, MONDO:0011400, OMIM 604145.
Autosomal recessive limb-girdle muscular dystrophy type 2J (LGMDR10). Also called: Limb-girdle muscular dystrophy, type 2J; MUSCULAR DYSTROPHY, LIMB-GIRDLE, AUTOSOMAL RECESSIVE 10. Identifiers: Orphanet 140922, MedGen C1837342, MONDO:0012127, OMIM 608807.
Tibial muscular dystrophy (TMD). Also called: UDD MYOPATHY; Udd Distal Myopathy – Tibial Muscular Dystrophy; Tibial muscular dystrophy, tardive. Identifiers: Orphanet 609, MedGen C1838244, MONDO:0010870, OMIM 600334.
Early-onset myopathy with fatal cardiomyopathy (CMYO5). Also called: Salih Myopathy; CONGENITAL MYOPATHY 5 WITH CARDIOMYOPATHY. Identifiers: Orphanet 289377, MedGen C2673677, MONDO:0012714, OMIM 611705. Disease mechanism: loss of function.
Hypertrophic cardiomyopathy 9. Also called: Familial hypertrophic cardiomyopathy 9. Identifiers: MedGen C1861065, MONDO:0013412, OMIM 613765.
Myopathy, myofibrillar, 9, with early respiratory failure (MFM9). Also called: Hereditary myopathy with early respiratory failure; EDSTROM MYOPATHY; MYOPATHY, PROXIMAL, WITH EARLY RESPIRATORY MUSCLE INVOLVEMENT; Myopathy, distal, with early respiratory failure, autosomal dominant. Identifiers: Orphanet 178464, Orphanet 34521, MedGen C1863599, MONDO:0011362, OMIM 603689.
Cardiovascular phenotype. Identifiers: MedGen CN230736.

Allele frequency attached by ClinVar (database versions not stated): ExAC 0.00004; gnomAD 0.00004; gnomAD exomes 0.00005; TOPMed 0.00005; ESP Exome Variant Server 0.00008.
gnomAD v4.1: 87 of 1,522,558 alleles (0.0057%); highest among the groups gnomAD compares: Non-Finnish European, 0.0075%; no homozygotes.

Submissions (3):

Fulgent Genetics
Classification: Uncertain significance for Tibial muscular dystrophy; Myopathy, myofibrillar, 9, with early respiratory failure; Dilated cardiomyopathy 1G; Autosomal recessive limb-girdle muscular dystrophy type 2J; Early-onset myopathy with fatal cardiomyopathy; Hypertrophic cardiomyopathy 9. Last evaluated: 2021-08-11. Review status: criteria provided, single submitter. Criteria: ACMG Guidelines, 2015. Collection method: clinical testing. Allele origin: unknown.

Ambry Genetics
Classification: Uncertain significance for Cardiovascular phenotype. Last evaluated: 2019-12-12. Review status: criteria provided, single submitter. Criteria: Ambry Variant Classification Scheme 2023. Collection method: clinical testing. Allele origin: germline.
Comment: The p.A9796T variant (also known as c.29386G>A), located in coding exon 117 of the TTN gene, results from a G to A substitution at nucleotide position 29386. The alanine at codon 9796 is replaced by threonine, an amino acid with similar properties. This amino acid position is highly conserved in available vertebrate species. In addition, the in silico prediction for this alteration is inconclusive. Since supporting evidence is limited at this time, the clinical significance of this alteration remains unclear.

Labcorp Genetics (formerly Invitae), Labcorp
Classification: Uncertain significance for Dilated cardiomyopathy 1G; Autosomal recessive limb-girdle muscular dystrophy type 2J. Last evaluated: 2015-11-24. Review status: criteria provided, single submitter. Criteria: Invitae Variant Classification Sherloc (09022015). Collection method: clinical testing. Allele origin: germline.